The following is an entry in ClinVar:

NM_020937.4(FANCM):c.1260T>G (p.Phe420Leu)

Gene: FANCM (FA complementation group M; plus strand). Cytogenetic location: 14q21.2.
Variant type: single nucleotide variant.
Coding change: c.1260T>G on transcript NM_020937.4 (MANE Select); coding-DNA position 1260, T replaced by G.
Protein change: p.Phe420Leu; replaces phenylalanine 420 with leucine.
Molecular consequence: missense variant.
Genome position (GRCh38, 1-based): chr14:45,154,773, T>G. VCF-style: chr14-45154773-T-G. GRCh37 (hg19) VCF-style: chr14-45623976-T-G.
Other names: c.1182T>G, p.Phe394Leu (NM_001308133.2); c.1260T>G, p.Phe420Leu (NM_001308134.2); short protein forms F394L, F420L.
Identifiers: ClinVar variation 2681919 (VCV002681919.5), dbSNP rs1312816191, ClinGen allele CA389591279.

ClinVar aggregate classification (germline): Uncertain significance. Review status: criteria provided, multiple submitters, no conflicts (2 of 4 stars). 3 submissions from 3 submitters: Uncertain significance (3). Last evaluated 2025-10-14.

Conditions:
Fanconi anemia (FA). Also called: Fanconi's anemia. Identifiers: Orphanet 84, MedGen C0015625, MeSH D005199, MONDO:0019391.
Inborn genetic diseases. Identifiers: MedGen C0950123, MeSH D030342.

Allele frequency attached by ClinVar (database versions not stated): TOPMed below 0.00001.
gnomAD v4.1: 1 of 1,605,256 alleles (0.000062%); highest among the groups gnomAD compares: Admixed American, 0.0017%; no homozygotes.

Submissions (3):

Ambry Genetics
Classification: Uncertain significance for Inborn genetic diseases. Last evaluated: 2025-10-14. Review status: criteria provided, single submitter. Criteria: Ambry Variant Classification Scheme 2023. Collection method: clinical testing. Allele origin: germline.
Comment: The p.F420L variant (also known as c.1260T>G), located in coding exon 7 of the FANCM gene, results from a T to G substitution at nucleotide position 1260. The phenylalanine at codon 420 is replaced by leucine, an amino acid with highly similar properties. This amino acid position is conserved. In addition, this alteration is predicted to be tolerated by in silico analysis. Based on the available evidence, the clinical significance of this variant remains unclear.

Labcorp Genetics (formerly Invitae), Labcorp
Classification: Uncertain significance for Fanconi anemia. Last evaluated: 2023-11-24. Review status: criteria provided, single submitter. Criteria: Invitae Variant Classification Sherloc (09022015). Collection method: clinical testing. Allele origin: germline.
Comment: This sequence change replaces phenylalanine, which is neutral and non-polar, with leucine, which is neutral and non-polar, at codon 420 of the FANCM protein (p.Phe420Leu). This variant is not present in population databases (gnomAD no frequency). This variant has not been reported in the literature in individuals affected with FANCM-related conditions. An algorithm developed to predict the effect of missense changes on protein structure and function (PolyPhen-2) suggests that this variant is likely to be tolerated. In summary, the available evidence is currently insufficient to determine the role of this variant in disease. Therefore, it has been classified as a Variant of Uncertain Significance.

Quest Diagnostics Nichols Institute San Juan Capistrano
Classification: Uncertain significance. Last evaluated: 2022-09-06. Review status: criteria provided, single submitter. Criteria: Quest Diagnostics criteria. Collection method: clinical testing. Allele origin: unknown.
Comment: This variant has not been reported in the published literature. It also has not been reported in large, multi-ethnic general populations. Analysis of this variant using bioinformatics tools for the prediction of the effect of amino acid changes on protein structure and function yielded predictions that this variant is benign. Based on the available information, we are unable to determine the clinical significance of this variant.